The following is an entry in ClinVar:

NM_004385.5(VCAN):c.9134C>T (p.Thr3045Ile)

Genes: VCAN (versican; plus strand), VCAN-AS1 (VCAN antisense RNA 1; minus strand). Cytogenetic location: 5q14.3.
Variant type: single nucleotide variant.
Coding change: c.9134C>T on transcript NM_004385.5 (MANE Select); coding-DNA position 9134, C replaced by T.
Protein change: p.Thr3045Ile; replaces threonine 3045 with isoleucine.
Molecular consequence: missense variant. On other transcripts: intron variant (2).
Genome position (GRCh38, 1-based): chr5:83,542,137, C>T. VCF-style: chr5-83542137-C-T. GRCh37 (hg19) VCF-style: chr5-82837956-C-T.
Other names: c.9134C>T (NM_004385.4); c.6173C>T, p.Thr2058Ile (NM_001164097.2); c.4004-3400C>T (NM_001164098.2); c.1043-3400C>T (NM_001126336.3); short protein forms T2058I, T3045I.
Identifiers: ClinVar variation 1009887 (VCV001009887.12), dbSNP rs73148633, ClinGen allele CA3333922.

ClinVar aggregate classification (germline): Conflicting classifications of pathogenicity. Review status: criteria provided, conflicting classifications (1 of 4 stars). 5 submissions from 5 submitters: Uncertain significance (4); Likely benign (1). Last evaluated 2026-05-27.

Conditions:
Inborn genetic diseases. Identifiers: MedGen C0950123, MeSH D030342.
VCAN-related disorder. Also called: VCAN-related condition.

Allele frequency attached by ClinVar (database versions not stated): TOPMed 0.00005.
gnomAD v4.1: 20 of 1,613,982 alleles (0.0012%); highest among the groups gnomAD compares: Admixed American, 0.033%; 1 homozygote.

Submissions (5):

PreventionGenetics, part of Exact Sciences
Classification: Uncertain significance for VCAN-related condition. Last evaluated: 2026-05-27. Review status: criteria provided, single submitter. Criteria: ACMG Guidelines, 2015. Collection method: clinical testing. Allele origin: germline.
Comment: The VCAN c.9134C>T variant is predicted to result in the amino acid substitution p.Thr3045Ile. To our knowledge, this variant has not been reported in the literature. This variant is reported in 0.058% of alleles in individuals of Latino descent in gnomAD, which may be too frequent to be a primary cause of disease. At this time, the clinical significance of this variant is uncertain due to the absence of conclusive functional and genetic evidence.

Labcorp Genetics (formerly Invitae), Labcorp
Classification: Uncertain significance. Last evaluated: 2025-08-29. Review status: criteria provided, single submitter. Criteria: Invitae Variant Classification Sherloc (09022015). Collection method: clinical testing. Allele origin: germline.
Comment: This sequence change replaces threonine, which is neutral and polar, with isoleucine, which is neutral and non-polar, at codon 3045 of the VCAN protein (p.Thr3045Ile). This variant is present in population databases (rs73148633, gnomAD 0.06%), and has an allele count higher than expected for a pathogenic variant. This variant has not been reported in the literature in individuals affected with VCAN-related conditions. ClinVar contains an entry for this variant (Variation ID: 1009887). An algorithm developed to predict the effect of missense changes on protein structure and function (PolyPhen-2) suggests that this variant is likely to be disruptive. In summary, the available evidence is currently insufficient to determine the role of this variant in disease. Therefore, it has been classified as a Variant of Uncertain Significance.

Ambry Genetics
Classification: Uncertain significance for Inborn genetic diseases. Last evaluated: 2024-11-25. Review status: criteria provided, single submitter. Criteria: Ambry Variant Classification Scheme 2023. Collection method: clinical testing. Allele origin: germline.

GeneDx
Classification: Uncertain significance. Last evaluated: 2023-12-28. Review status: criteria provided, single submitter. Criteria: GeneDx Variant Classification Process June 2021. Collection method: clinical testing. Allele origin: germline. Affected: yes.
Comment: In silico analysis supports that this missense variant does not alter protein structure/function; Has not been previously published as pathogenic or benign to our knowledge

Blueprint Genetics
Classification: Likely benign. Last evaluated: 2022-06-21. Review status: criteria provided, single submitter. Criteria: ACMG Guidelines, 2015. Collection method: clinical testing. Allele origin: germline.